The following is an entry in ClinVar:

ClinVar aggregate classification (germline): Likely pathogenic (1 of 4 stars; one submission).

Conditions:
Gaucher disease. Also called: Acute cerebral Gaucher disease; Cerebroside lipidosis syndrome; Gaucher splenomegaly; Sphingolipidosis 1; Glucocerebrosidosis; Glucosylceramidase deficiency. Identifiers: Orphanet 355, MedGen C0017205, MONDO:0018150.

Submission:

Natera, Inc.
Classification: Likely pathogenic for Gaucher disease. Last evaluated: 2024-04-17. Review status: criteria provided, single submitter. Criteria: Natera Variant Classification Schema (03/2026). Collection method: clinical testing. Allele origin: germline.
Comment: The c.172_173delAA variant in GBA1 is a frameshift variant predicted to shift the reading frame beginning at codon 58 and leads to a stop codon 5 codons downstream. This variant is expected to result in nonsense mediated decay, truncation, or a dysfunctional protein product. This variant is rare in the general population with a frequency below the threshold expected for the associated phenotype(s). Given the available evidence, this variant is classified as Likely Pathogenic.

NM_000157.4(GBA1):c.172_173del (p.Asn58fs)

Genes: GBA1 (glucosylceramidase beta 1; minus strand), LOC106627981 (GBA recombination region; plus strand). Cytogenetic location: 1q22.
Variant type: Deletion.
Coding change: c.172_173del on transcript NM_000157.4 (MANE Select); coding-DNA positions 172 to 173, 2 bases deleted (AA; older notation c.172_173delAA).
Protein change: p.Asn58fs; shifts the reading frame from asparagine 58.
Molecular consequence: frameshift variant. On other transcripts: 5 prime UTR variant (1).
Genome position (GRCh38, 1-based): chr1:155,240,020-155,240,021, TT deleted on the plus strand (AA on the coding strand, the reverse complement: GBA1 is on the minus strand). VCF-style (leftmost placement, unchanged base first): chr1-155240019-ATT-A. GRCh37 (hg19) VCF-style: chr1-155209810-ATT-A.
Other names: c.172_173del, p.Asn58fs (NM_001005741.3, NM_001005742.3, NM_001171812.2); c.-90_-89del (NM_001171811.2); short protein forms N58fs.
Identifiers: ClinVar variation 4817745 (VCV004817745.1).